The following is an entry in ClinVar:

ClinVar aggregate classification (germline): Benign. Review status: criteria provided, multiple submitters, no conflicts (2 of 4 stars). 4 submissions from 4 submitters: Benign (2). 2 of the submissions do not count toward it. Last evaluated 2018-01-12.

Conditions:
Caveolinopathy. Identifiers: Orphanet 207078, MedGen C5679790, MONDO:0016146.
Tip-toe gait. Also called: Toe walking. Identifiers: MedGen C0427144, HP:0030051.

Allele frequency attached by ClinVar (database versions not stated): TOPMed 0.00241; ExAC 0.00276; 1000 Genomes Project 30x 0.00062; gnomAD 0.00275 and 0.00282; ESP Exome Variant Server 0.00377; 1000 Genomes Project 0.00060.
gnomAD v4.1: 4,955 of 1,333,412 alleles (0.37%); highest among the groups gnomAD compares: Middle Eastern, 0.81%; 17 homozygotes.

Submissions (4):

Illumina Laboratory Services, Illumina
Classification: Benign for Caveolinopathy. Last evaluated: 2018-01-12. Review status: criteria provided, single submitter. Criteria: ICSL Variant Classification Criteria 13 December 2019. Collection method: clinical testing. Allele origin: germline.
Comment: This variant was observed in the ICSL laboratory as part of a predisposition screen in an ostensibly healthy population. It had not been previously curated by ICSL or reported in the Human Gene Mutation Database (HGMD: prior to June 1st, 2018), and was therefore a candidate for classification through an automated scoring system. Utilizing variant allele frequency, disease prevalence and penetrance estimates, and inheritance mode, an automated score was calculated to assess if this variant is too frequent to cause the disease. Based on the score and internal cut-off values, a variant classified as benign is not then subjected to further curation. The score for this variant resulted in a classification of benign for this disease.

GeneDx
Classification: Benign. Last evaluated: 2011-06-27. Review status: criteria provided, single submitter. Criteria: GeneDx Variant Classification (06012015). Collection method: clinical testing. Allele origin: germline. Affected: yes.
Comment: This variant is considered likely benign or benign based on one or more of the following criteria: it is a conservative change, it occurs at a poorly conserved position in the protein, it is predicted to be benign by multiple in silico algorithms, and/or has population frequency not consistent with disease.

Leiden Muscular Dystrophy (CAV3)
No classification provided. Last evaluated: 2012-04-15. Review status: no classification provided. Collection method: curation. Allele origin: germline. Not counted in ClinVar's aggregate classification.

Practice for Gait Abnormalities, David Pomarino, Competency Network Toe Walking C/o Practice Pomarino
Classification: Likely pathogenic for Tip-toe gait. Review status: no assertion criteria provided. Collection method: clinical testing. Allele origin: germline. Affected: yes. Not counted in ClinVar's aggregate classification.
Comment: Myopathy refers to diseases that affect skeletal Muscles. These diseases attack muscle fibers, making muscles weak. Inherited myopathies are often caused by inheriting an abnormal gene mutation from a parent that causes the disease. Symptoms of congenital myopathies usually start at birth or in early childhood, but may not appear until the teen years or even later in adulthood. Congenital myopathies are somewhat unique compared with other inherited myopathies, as weakness typically affects all muscles and is often not progressive. Symptoms are: Muscle weakness, most commonly of upper arms and shoulders and thighs, muscle cramps, stiffness and spasms, fatigue with exertion and lack of energy. Our patients all walk on tiptoe, so they show similar symptoms. When we genetically test them with our toe walking panel, we find that around 90 per cent of them have a genetic variant that explains their toe walking. These can be assigned, for example, to the area of myopathies (such as variants of the COL6A3 gene), the area of hereditary neuropathies (such as variants of the KMT2C gene) or the area of metabolic diseases (such as variants of the PYGM gene). In a smaller group of patients with almost identical symptoms, no abnormality is found in the genes of our panel, but spastic paraplegia can be detected. In another small group of our toe walkers, no abnormalities can be detected in the genes analysed in our toe walking panel, nor do they suffer from spastic paraplegia, as is also the case with healthy children. In contrast to these, however, they show a tiptoe gait. These patients suffer from infantile cerebral palsy, in which toe walking can also be observed.

Literature cited by the submitters: PubMed 37091313 (cited by Practice for Gait Abnormalities, David Pomarino, Competency Network Toe Walking C/o Practice Pomarino).

NM_033337.3(CAV3):c.-37G>A

Gene: CAV3 (caveolin 3; plus strand). Cytogenetic location: 3p25.3.
Variant type: single nucleotide variant.
Coding change: c.-37G>A on transcript NM_033337.3 (MANE Select); 37 bases upstream of the start codon, G replaced by A.
Molecular consequence: 5 prime UTR variant.
Genome position (GRCh38, 1-based): chr3:8,733,840, G>A. VCF-style: chr3-8733840-G-A. GRCh37 (hg19) VCF-style: chr3-8775526-G-A.
Other names: c.-37G>A (NM_001234.5).
Identifiers: ClinVar variation 31739 (VCV000031739.10), dbSNP rs116840771, ClinGen allele CA215207.